The following is an entry in ClinVar:

ClinVar aggregate classification (germline): Pathogenic. Review status: reviewed by expert panel (3 of 4 stars). 2 submissions from 2 submitters: Pathogenic (1). 1 of the submissions does not count toward it. Last evaluated 2017-12-15.

Conditions:
Breast neoplasm. Also called: Neoplasm of the breast; Breast Neoplasms; Neoplasm of breast; Breast tumor. Identifiers: MedGen C1458155, MeSH D001943, MONDO:0021100, HP:0100013. Disease mechanism: gain of function.
Breast-ovarian cancer, familial, susceptibility to, 2 (BROVCA2). Also called: BRCA2 Hereditary Breast and Ovarian Cancer. Identifiers: Orphanet 145, MedGen C2675520, MONDO:0012933, OMIM 612555. Disease mechanism: loss of function.

Submissions (2):

Evidence-based Network for the Interpretation of Germline Mutant Alleles (ENIGMA)
Classification: Pathogenic for Breast-ovarian cancer, familial, susceptibility to, 2. Last evaluated: 2017-12-15. Review status: reviewed by expert panel. Criteria: ENIGMA BRCA1/2 Classification Criteria (2017-06-29). Collection method: curation. Allele origin: germline. Study: ENIGMA.
Comment: Variant allele predicted to encode a truncated non-functional protein.

Yang An-Suei Laboratory, Academia Sinica
Classification: Pathogenic for breast cancer. Review status: criteria provided, single submitter. Criteria: Submitter's publication. Collection method: clinical testing. Allele origin: germline. Affected: yes. Not counted in ClinVar's aggregate classification.

NM_000059.4(BRCA2):c.800dup (p.Thr269fs)

Gene: BRCA2 (BRCA2 DNA repair associated; plus strand). Cytogenetic location: 13q13.1.
Variant type: Duplication.
Coding change: c.800dup on transcript NM_000059.4 (MANE Select); coding-DNA position 800, one base duplicated (G; older notation c.800dupG).
Protein change: p.Thr269fs; shifts the reading frame from threonine 269.
Molecular consequence: frameshift variant.
Genome position (GRCh38, 1-based): chr13:32,332,278, G duplicated; the last of 2 consecutive G bases (chr13:32,332,277-32,332,278); duplicating either gives the same sequence. VCF-style (leftmost placement, unchanged base first): chr13-32332276-T-TG. GRCh37 (hg19) VCF-style: chr13-32906413-T-TG.
Other names: c.800dupG (NM_000059.3); short protein forms T269fs.
Identifiers: ClinVar variation 548381 (VCV000548381.3), dbSNP rs1555281594, ClinGen allele CA645509359.